The following is an entry in ClinVar:

NM_005732.4(RAD50):c.686G>C (p.Ser229Thr)

Gene: RAD50 (RAD50 double strand break repair protein; plus strand). Cytogenetic location: 5q31.1.
Variant type: single nucleotide variant.
Coding change: c.686G>C on transcript NM_005732.4 (MANE Select); coding-DNA position 686, G replaced by C.
Protein change: p.Ser229Thr; replaces serine 229 with threonine.
Molecular consequence: missense variant.
Genome position (GRCh38, 1-based): chr5:132,579,996, G>C. VCF-style: chr5-132579996-G-C. GRCh37 (hg19) VCF-style: chr5-131915688-G-C.
Other names: short protein forms S229T.
Identifiers: ClinVar variation 480475 (VCV000480475.5), dbSNP rs751781524, ClinGen allele CA3405010.

ClinVar aggregate classification (germline): Uncertain significance (1 of 4 stars; one submission).

Conditions:
Hereditary cancer-predisposing syndrome. Also called: Hereditary Cancer Syndrome; Neoplastic Syndromes, Hereditary; Tumor predisposition; Hereditary neoplastic syndrome. Identifiers: Orphanet 140162, MedGen C0027672, MeSH D009386, MONDO:0015356.

Allele frequency attached by ClinVar (database versions not stated): gnomAD exomes below 0.00001; ExAC 0.00001.
gnomAD v4.1: 1 of 1,613,386 alleles (0.000062%); highest among the groups gnomAD compares: East Asian, 0.0022%; no homozygotes.

Submission:

Ambry Genetics
Classification: Uncertain significance for Hereditary cancer-predisposing syndrome. Last evaluated: 2017-02-13. Review status: criteria provided, single submitter. Criteria: Ambry Variant Classification Scheme 2023. Collection method: clinical testing. Allele origin: germline.
Comment: The p.S229T variant (also known as c.686G>C), located in coding exon 5 of the RAD50 gene, results from a G to C substitution at nucleotide position 686. The serine at codon 229 is replaced by threonine, an amino acid with similar properties. This amino acid position is not well conserved in available vertebrate species. In addition, this alteration is predicted to be tolerated by in silico analysis. Since supporting evidence is limited at this time, the clinical significance of this alteration remains unclear.